The following is an entry in ClinVar:

ClinVar aggregate classification (germline): Likely pathogenic (1 of 4 stars; one submission).

Submission:

Labcorp Genetics (formerly Invitae), Labcorp
Classification: Likely pathogenic. Last evaluated: 2025-07-16. Review status: criteria provided, single submitter. Criteria: Invitae Variant Classification Sherloc (09022015). Collection method: clinical testing. Allele origin: germline.
Comment: This sequence change replaces lysine, which is basic and polar, with glutamine, which is neutral and polar, at codon 36 of the STAG2 protein (p.Lys36Gln). This variant is not present in population databases (gnomAD no frequency). This missense change has been observed in individual(s) with STAG2-related conditions (internal data). In at least one individual the variant was observed to be de novo. An algorithm developed to predict the effect of missense changes on protein structure and function (PolyPhen-2) suggests that this variant is likely to be tolerated. In summary, the currently available evidence indicates that the variant is pathogenic, but additional data are needed to prove that conclusively. Therefore, this variant has been classified as Likely Pathogenic.

NM_001042750.2(STAG2):c.106A>C (p.Lys36Gln)

Gene: STAG2 (STAG2 cohesin complex component; plus strand). Cytogenetic location: Xq25.
Variant type: single nucleotide variant.
Coding change: c.106A>C on transcript NM_001042750.2 (MANE Select); coding-DNA position 106, A replaced by C.
Protein change: p.Lys36Gln; replaces lysine 36 with glutamine.
Molecular consequence: missense variant.
Genome position (GRCh38, 1-based): chrX:124,025,901, A>C. VCF-style: chrX-124025901-A-C. GRCh37 (hg19) VCF-style: chrX-123159751-A-C.
Other names: c.106A>C, p.Lys36Gln (NM_001042749.2, NM_001042751.2, NM_001282418.2 and 23 more transcripts); short protein forms K36Q.
Identifiers: ClinVar variation 4723329 (VCV004723329.1).
Genomic context (GRCh38, chrX:124,025,901, plus strand): 5'-GAGTCAGAAACACATTTTTCTTCTGACACAGATTTTGAAGATATCGAAGGAAAAAACCAA[A>C]AGCAAGGCAAAGGCAAAGTATGTATCAAATATTTGACTTTATTTTGTTTCCTAAGATCTC-3'
Protein context (NP_001036215.1, residues 26-46): DFEDIEGKNQ[Lys36Gln]QGKGKTCKKG